The following is an entry in ClinVar:

NM_172107.4(KCNQ2):c.347A>G (p.Lys116Arg)

Gene: KCNQ2 (potassium voltage-gated channel subfamily Q member 2; minus strand). Cytogenetic location: 20q13.33.
Variant type: single nucleotide variant.
Coding change: c.347A>G on transcript NM_172107.4 (MANE Select); coding-DNA position 347, A replaced by G.
Protein change: p.Lys116Arg; replaces lysine 116 with arginine.
Molecular consequence: missense variant.
Genome position (GRCh38, 1-based): chr20:63,446,787, T>C on the plus strand (A>G on the coding strand, the complement: KCNQ2 is on the minus strand). VCF-style: chr20-63446787-T-C. GRCh37 (hg19) VCF-style: chr20-62078140-T-C.
Other names: c.347A>G, p.Lys116Arg (NM_001382235.1, NM_004518.6, NM_172106.3 and 2 more transcripts); short protein forms K116R.
Identifiers: ClinVar variation 2082176 (VCV002082176.4), dbSNP rs1439320142, ClinGen allele CA409656435.
Genomic context (GRCh38, chr20:63,446,787, plus strand): 5'-CGCCCTCCCTCGGGGCTCACCAGGATGTAGAGGGCCCCCTCCGAGCTCTTCTCATACTCC[T>C]TGATGGTGGAAAACACAGACAGCACGAGGCAGGAGAAAACCAGGAGGAACCTGGGGGCAG-3'
Protein context (NP_742105.1, residues 106-126): CLVLSVFSTI[Lys116Arg]EYEKSSEGAL

ClinVar aggregate classification (germline): Uncertain significance (1 of 4 stars; one submission).

Conditions:
Early-infantile DEE. Also called: Early infantile epileptic encephalopathy; Early infantile epileptic encephalopathy with suppression bursts; Ohtahara syndrome. Identifiers: Orphanet 1934, MedGen C0393706, MONDO:0800491.

Allele frequency attached by ClinVar (database versions not stated): gnomAD 0.00001.
gnomAD v4.1: 1 of 1,613,332 alleles (0.000062%); highest among the groups gnomAD compares: African/African-American, 0.0013%; no homozygotes.

Submission:

Labcorp Genetics (formerly Invitae), Labcorp
Classification: Uncertain significance for Early-infantile DEE. Last evaluated: 2024-05-09. Review status: criteria provided, single submitter. Criteria: Invitae Variant Classification Sherloc (09022015). Collection method: clinical testing. Allele origin: germline.
Comment: This sequence change replaces lysine, which is basic and polar, with arginine, which is basic and polar, at codon 116 of the KCNQ2 protein (p.Lys116Arg). This variant is present in population databases (no rsID available, gnomAD 0.01%). This variant has not been reported in the literature in individuals affected with KCNQ2-related conditions. ClinVar contains an entry for this variant (Variation ID: 2082176). Advanced modeling of protein sequence and biophysical properties (such as structural, functional, and spatial information, amino acid conservation, physicochemical variation, residue mobility, and thermodynamic stability) performed at Invitae indicates that this missense variant is not expected to disrupt KCNQ2 protein function with a negative predictive value of 95%. In summary, the available evidence is currently insufficient to determine the role of this variant in disease. Therefore, it has been classified as a Variant of Uncertain Significance.